The following is an entry in ClinVar:

NM_020937.4(FANCM):c.3342C>A (p.Asn1114Lys)

Gene: FANCM (FA complementation group M; plus strand). Cytogenetic location: 14q21.2.
Variant type: single nucleotide variant.
Coding change: c.3342C>A on transcript NM_020937.4 (MANE Select); coding-DNA position 3342, C replaced by A.
Protein change: p.Asn1114Lys; replaces asparagine 1114 with lysine.
Molecular consequence: missense variant.
Genome position (GRCh38, 1-based): chr14:45,176,096, C>A. VCF-style: chr14-45176096-C-A. GRCh37 (hg19) VCF-style: chr14-45645299-C-A.
Other names: c.3264C>A, p.Asn1088Lys (NM_001308133.2); short protein forms N1088K, N1114K.
Identifiers: ClinVar variation 3625100 (VCV003625100.2).

ClinVar aggregate classification (germline): Uncertain significance (1 of 4 stars; one submission).

Conditions:
Fanconi anemia (FA). Also called: Fanconi's anemia. Identifiers: Orphanet 84, MedGen C0015625, MeSH D005199, MONDO:0019391.

gnomAD v4.1: 2 of 1,613,928 alleles (0.00012%); highest among the groups gnomAD compares: Non-Finnish European, 0.00017%; no homozygotes.

Submission:

Labcorp Genetics (formerly Invitae), Labcorp
Classification: Uncertain significance for Fanconi anemia. Last evaluated: 2024-12-07. Review status: criteria provided, single submitter. Criteria: Invitae Variant Classification Sherloc (09022015). Collection method: clinical testing. Allele origin: germline.
Comment: This sequence change replaces asparagine, which is neutral and polar, with lysine, which is basic and polar, at codon 1114 of the FANCM protein (p.Asn1114Lys). This variant is not present in population databases (gnomAD no frequency). This variant has not been reported in the literature in individuals affected with FANCM-related conditions. An algorithm developed to predict the effect of missense changes on protein structure and function outputs the following: PolyPhen-2: "Benign". The lysine amino acid residue is found in multiple mammalian species, which suggests that this missense change does not adversely affect protein function. In summary, the available evidence is currently insufficient to determine the role of this variant in disease. Therefore, it has been classified as a Variant of Uncertain Significance.